The following is an entry in ClinVar:

NM_001077418.3(TMEM231):c.47_48delinsAA (p.Arg16Gln)

Gene: TMEM231 (transmembrane protein 231; minus strand). Cytogenetic location: 16q23.1.
Variant type: Indel.
Coding change: c.47_48delinsAA on transcript NM_001077418.3 (MANE Select); coding-DNA positions 47 to 48, GC replaced by AA.
Protein change: p.Arg16Gln; replaces arginine 16 with glutamine.
Molecular consequence: missense variant. On other transcripts: non-coding transcript variant (1).
Genome position (GRCh38, 1-based): chr16:75,556,162-75,556,163, GC replaced by TT on the plus strand (GC replaced by AA on the coding strand, the reverse complement: TMEM231 is on the minus strand). VCF-style: chr16-75556162-GC-TT. GRCh37 (hg19) VCF-style: chr16-75590060-GC-TT.
Other names: c.109_110delinsAA, p.Ala37Lys (NM_001077416.2); short protein forms A37K, R16Q.
Identifiers: ClinVar variation 2940892 (VCV002940892.3), dbSNP rs2507348440, ClinGen allele CA2740093423.
Genomic context (GRCh38, chr16:75,556,162, plus strand): 5'-GATGTACGTGAGCGCAGCGGCCAGCAGCAGGAACAGCGCGGCTTTGGAGCAGAGCCCCGC[GC>TT]GGTAACTGCGCTCGACCGGGTGAGAGAAGAGCTCATAGAGCGCCATGAGCACCGCTCGCA-3'
Protein context (NP_001070886.1, residues 6-26): LFSHPVERSY[Arg16Gln]AGLCSKAALF

ClinVar aggregate classification (germline): Uncertain significance (1 of 4 stars; one submission).

Conditions:
Joubert syndrome 20 (JBTS20). Identifiers: Orphanet 475, MedGen C3554235, MONDO:0013994, OMIM 614970.
Meckel syndrome, type 11 (MKS11). Identifiers: Orphanet 564, MedGen C3809352, MONDO:0014164, OMIM 615397.

Submission:

Labcorp Genetics (formerly Invitae), Labcorp
Classification: Uncertain significance for Joubert syndrome 20; Meckel syndrome, type 11. Last evaluated: 2023-10-05. Review status: criteria provided, single submitter. Criteria: Invitae Variant Classification Sherloc (09022015). Collection method: clinical testing. Allele origin: germline.
Comment: This sequence change replaces alanine, which is neutral and non-polar, with lysine, which is basic and polar, at codon 37 of the TMEM231 protein (p.Ala37Lys). Information on the frequency of this variant in the gnomAD database is not available, as this variant may be reported differently in the database. This variant has not been reported in the literature in individuals affected with TMEM231-related conditions. Experimental studies and prediction algorithms are not available or were not evaluated, and the functional significance of this variant is currently unknown. In summary, the available evidence is currently insufficient to determine the role of this variant in disease. Therefore, it has been classified as a Variant of Uncertain Significance.